The following is an entry in ClinVar:

ClinVar aggregate classification (germline): Benign. Review status: criteria provided, single submitter (1 of 4 stars). 2 submissions from 2 submitters: Benign (1). 1 of the submissions does not count toward it. Last evaluated 2019-12-31.

Conditions:
AGO3-related disorder. Also called: AGO3-related condition.

Allele frequency attached by ClinVar (database versions not stated): 1000 Genomes Project 0.00040; gnomAD 0.00202 and 0.00218; ESP Exome Variant Server 0.00277; ExAC 0.00199; gnomAD exomes 0.00209 and 0.00308; TOPMed 0.00216; 1000 Genomes Project 30x 0.00031.
gnomAD v4.1: 4,756 of 1,614,036 alleles (0.29%); highest among the groups gnomAD compares: Non-Finnish European, 0.37%; 10 homozygotes.

Submissions (3):

Labcorp Genetics (formerly Invitae), Labcorp
Classification: Benign. Last evaluated: 2019-12-31. Review status: criteria provided, single submitter. Criteria: Invitae Variant Classification Sherloc (09022015). Collection method: clinical testing. Allele origin: germline.

PreventionGenetics, part of Exact Sciences
Classification: Benign for AGO3-related condition. Last evaluated: 2019-02-28. Review status: no assertion criteria provided. Collection method: clinical testing. Allele origin: germline. Not counted in ClinVar's aggregate classification.
Comment: This variant is classified as benign based on ACMG/AMP sequence variant interpretation guidelines (Richards et al. 2015 PMID: 25741868, with internal and published modifications).

Dr. Peter K. Rogan Lab, Western University
No classification provided (evidence only). Condition: Malignant tumor of urinary bladder. Review status: no classification provided. Collection method: in vitro. Allele origin: not applicable. Functional consequence: retained intron. Not counted in ClinVar's aggregate classification.

NM_024852.4(AGO3):c.1959A>G (p.Gln653=)

Gene: AGO3 (argonaute RISC catalytic component 3; plus strand). Cytogenetic location: 1p34.3.
Variant type: single nucleotide variant.
Coding change: c.1959A>G on transcript NM_024852.4 (MANE Select); coding-DNA position 1959, A replaced by G.
Protein change: p.Gln653=; no amino-acid change (glutamine 653 retained).
Molecular consequence: synonymous variant.
Genome position (GRCh38, 1-based): chr1:36,039,906, A>G. VCF-style: chr1-36039906-A-G. GRCh37 (hg19) VCF-style: chr1-36505507-A-G.
Other names: NC_000001.10:g.36505507A>G; c.1257A>G, p.Gln419= (NM_177422.3).
Identifiers: ClinVar variation 790925 (VCV000790925.7), dbSNP rs143283288, ClinGen allele CA763897.
Genomic context (GRCh38, chr1:36,039,906, plus strand): 5'-GAGACCCCGACAGGAGATCATCCAGGACTTGGCCTCCATGGTCCGGGAACTTCTTATTCA[A>G]TTTTATAAGTCAACTCGGTTCAAGCCTACTCGTATCATCTTTTATCGGGATGGTGTTTCA-3'
Protein context (NP_079128.2, residues 643-663): LASMVRELLI[Gln653=]FYKSTRFKPT